The following is an entry in ClinVar:

ClinVar aggregate classification (germline): Uncertain significance. Review status: criteria provided, multiple submitters, no conflicts (2 of 4 stars). 2 submissions from 2 submitters: Uncertain significance (2). Last evaluated 2025-09-22.

Conditions:
Atrial fibrillation, familial, 11 (ATFB11). Identifiers: MedGen C3279693, MONDO:0013544, OMIM 614049.
Atrial standstill 1 (ATRST1). Also called: Atrial standstill, digenic (GJA5/SCN5A); ATRIAL CARDIOMYOPATHY WITH HEART BLOCK; CARDIOMYOPATHY, FAMILIAL, WITH CONDUCTION DISTURBANCE. Identifiers: Orphanet 1344, MedGen C4551959, MONDO:0007171, OMIM 108770.
Inborn genetic diseases. Identifiers: MedGen C0950123, MeSH D030342.

Allele frequency attached by ClinVar (database versions not stated): ESP Exome Variant Server 0.00008.
gnomAD v4.1: 9 of 1,613,990 alleles (0.00056%); highest among the groups gnomAD compares: South Asian, 0.0022%; no homozygotes.

Submissions (2):

Labcorp Genetics (formerly Invitae), Labcorp
Classification: Uncertain significance for Atrial fibrillation, familial, 11; Atrial standstill 1. Last evaluated: 2025-09-22. Review status: criteria provided, single submitter. Criteria: Invitae Variant Classification Sherloc (09022015). Collection method: clinical testing. Allele origin: germline.
Comment: This sequence change replaces arginine, which is basic and polar, with leucine, which is neutral and non-polar, at codon 316 of the GJA5 protein (p.Arg316Leu). This variant is present in population databases (rs369631383, gnomAD 0.006%). This variant has not been reported in the literature in individuals affected with GJA5-related conditions. ClinVar contains an entry for this variant (Variation ID: 2049301). An algorithm developed to predict the effect of missense changes on protein structure and function (PolyPhen-2) suggests that this variant is likely to be tolerated. In summary, the available evidence is currently insufficient to determine the role of this variant in disease. Therefore, it has been classified as a Variant of Uncertain Significance.

Ambry Genetics
Classification: Uncertain significance for Inborn genetic diseases. Last evaluated: 2021-12-03. Review status: criteria provided, single submitter. Criteria: Ambry Variant Classification Scheme 2023. Collection method: clinical testing. Allele origin: germline.

NM_181703.4(GJA5):c.947G>T (p.Arg316Leu)

Gene: GJA5 (gap junction protein alpha 5; minus strand). Cytogenetic location: 1q21.2.
Variant type: single nucleotide variant.
Coding change: c.947G>T on transcript NM_181703.4 (MANE Select); coding-DNA position 947, G replaced by T.
Protein change: p.Arg316Leu; replaces arginine 316 with leucine.
Molecular consequence: missense variant.
Genome position (GRCh38, 1-based): chr1:147,758,292, C>A on the plus strand (G>T on the coding strand, the complement: GJA5 is on the minus strand). VCF-style: chr1-147758292-C-A. GRCh37 (hg19) VCF-style: chr1-147230400-C-A.
Other names: c.947G>T, p.Arg316Leu (NM_005266.7); c.947G>T (NM_005266.5); short protein forms R316L.
Identifiers: ClinVar variation 2049301 (VCV002049301.5), dbSNP rs369631383, ClinGen allele CA1065672.